The following is an entry in ClinVar:

NM_006015.6(ARID1A):c.3230C>T (p.Ala1077Val)

Gene: ARID1A (AT-rich interaction domain 1A; plus strand). Cytogenetic location: 1p36.11.
Variant type: single nucleotide variant.
Coding change: c.3230C>T on transcript NM_006015.6 (MANE Select); coding-DNA position 3230, C replaced by T.
Protein change: p.Ala1077Val; replaces alanine 1077 with valine.
Molecular consequence: missense variant.
Genome position (GRCh38, 1-based): chr1:26,771,150, C>T. VCF-style: chr1-26771150-C-T. GRCh37 (hg19) VCF-style: chr1-27097641-C-T.
Other names: c.3230C>T, p.Ala1077Val (NM_139135.4); short protein forms A1077V.
Identifiers: ClinVar variation 3342654 (VCV003342654.2).

ClinVar aggregate classification (germline): Uncertain significance (1 of 4 stars; one submission).

Submission:

GeneDx
Classification: Uncertain significance. Last evaluated: 2025-05-09. Review status: criteria provided, single submitter. Criteria: GeneDx Variant Classification Process June 2021. Collection method: clinical testing. Allele origin: germline.
Comment: Not observed at significant frequency in large population cohorts (gnomAD); In silico analysis supports that this missense variant has a deleterious effect on protein structure/function; Has not been previously published as pathogenic or benign to our knowledge